The following is an entry in ClinVar:

NM_023110.3(FGFR1):c.1078G>A (p.Glu360Lys)

Gene: FGFR1 (fibroblast growth factor receptor 1; minus strand). Cytogenetic location: 8p11.23.
Variant type: single nucleotide variant.
Coding change: c.1078G>A on transcript NM_023110.3 (MANE Select); coding-DNA position 1078, G replaced by A.
Protein change: p.Glu360Lys; replaces glutamic acid 360 with lysine.
Molecular consequence: missense variant.
Genome position (GRCh38, 1-based): chr8:38,421,800, C>T on the plus strand (G>A on the coding strand, the complement: FGFR1 is on the minus strand). VCF-style: chr8-38421800-C-T. GRCh37 (hg19) VCF-style: chr8-38279318-C-T.
Other names: c.1078G>A, p.Glu360Lys (NM_001174063.2); c.1054G>A, p.Glu352Lys (NM_001174064.2); c.1072G>A, p.Glu358Lys (NM_001174065.2, NM_001354367.2, NM_001354369.2 and 1 more transcripts); c.811G>A, p.Glu271Lys (NM_001174066.2, NM_023105.3); c.1171G>A, p.Glu391Lys (NM_001174067.2); c.805G>A, p.Glu269Lys (NM_001354368.2, NM_001354370.2, NM_023106.3); short protein forms E360K, E269K, E358K, E391K, E271K, E352K.
Identifiers: ClinVar variation 423777 (VCV000423777.9), dbSNP rs982371464, ClinGen allele CA16618629.

ClinVar aggregate classification (germline): Uncertain significance. Review status: criteria provided, multiple submitters, no conflicts (2 of 4 stars). 4 submissions from 4 submitters: Uncertain significance (3). 1 of the submissions does not count toward it. Last evaluated 2025-08-27.

Conditions:
Encephalocraniocutaneous lipomatosis (ECCL). Identifiers: Orphanet 2396, MedGen C0406612, MONDO:0013074, OMIM 613001.
Jackson-Weiss syndrome (JWS). Also called: CRANIOSYNOSTOSIS, MIDFACIAL HYPOPLASIA, AND FOOT ABNORMALITIES. Identifiers: Orphanet 1540, MedGen C0795998, MONDO:0007400, OMIM 123150. Disease mechanism: loss of function.
Hypogonadotropic hypogonadism 2 with or without anosmia (HH2). Also called: HYPOGONADOTROPIC HYPOGONADISM 2 WITHOUT ANOSMIA; FGFR1-Related GnRH Deficiency (Kallmann Syndrome 2); HYPOGONADOTROPIC HYPOGONADISM 2 WITH OR WITHOUT ANOSMIA, SUSCEPTIBILITY TO; HYPOGONADOTROPIC HYPOGONADISM 2 WITHOUT ANOSMIA, SUSCEPTIBILITY TO. Identifiers: Orphanet 478, MedGen C1563720, MONDO:0007844, OMIM 147950. Disease mechanism: loss of function.
Pfeiffer syndrome (ACS5). Also called: ACS V. Identifiers: Orphanet 710, MedGen C0220658, MONDO:0007043, OMIM 101600.
Osteoglophonic dysplasia (OGD). Also called: Osteoglophonic dwarfism. Identifiers: Orphanet 2645, MedGen C0432283, MONDO:0008150, OMIM 166250.
Hartsfield-Bixler-Demyer syndrome (HRTFDS). Also called: FGFR1-Related Hartsfield Syndrome; Holoprosencephaly, ectrodactyly, and bilateral cleft lip/palate; Hartsfield syndrome. Identifiers: Orphanet 2117, MedGen C1845146, MONDO:0014196, OMIM 615465. Disease mechanism: loss of function.
Trigonocephaly 1 (TRIGNO1). Identifiers: Orphanet 3366, MedGen C0432122, MONDO:0008603, OMIM 190440.
FGFR1-related disorder. Also called: FGFR1-related disorders; FGFR1-related condition. Identifiers: MedGen CN380097.

Allele frequency attached by ClinVar (database versions not stated): gnomAD exomes below 0.00001 and 0.00001; gnomAD 0.00001; TOPMed 0.00001.

Submissions (4):

Labcorp Genetics (formerly Invitae), Labcorp
Classification: Uncertain significance for Pfeiffer syndrome; Hypogonadotropic hypogonadism 2 with or without anosmia. Last evaluated: 2025-08-27. Review status: criteria provided, single submitter. Criteria: Invitae Variant Classification Sherloc (09022015). Collection method: clinical testing. Allele origin: germline.
Comment: This sequence change replaces glutamic acid, which is acidic and polar, with lysine, which is basic and polar, at codon 360 of the FGFR1 protein (p.Glu360Lys). This variant is present in population databases (no rsID available, gnomAD 0.006%). This variant has not been reported in the literature in individuals affected with FGFR1-related conditions. ClinVar contains an entry for this variant (Variation ID: 423777). Invitae Evidence Modeling of protein sequence and biophysical properties (such as structural, functional, and spatial information, amino acid conservation, physicochemical variation, residue mobility, and thermodynamic stability) indicates that this missense variant is not expected to disrupt FGFR1 protein function with a negative predictive value of 80%. In summary, the available evidence is currently insufficient to determine the role of this variant in disease. Therefore, it has been classified as a Variant of Uncertain Significance.

Fulgent Genetics
Classification: Uncertain significance for Pfeiffer syndrome; Jackson-Weiss syndrome; Hypogonadotropic hypogonadism 2 with or without anosmia; Osteoglophonic dysplasia; Trigonocephaly 1; Encephalocraniocutaneous lipomatosis; Hartsfield-Bixler-Demyer syndrome. Last evaluated: 2024-04-01. Review status: criteria provided, single submitter. Criteria: ACMG Guidelines, 2015. Collection method: clinical testing. Allele origin: germline.

GeneDx
Classification: Uncertain significance. Last evaluated: 2019-11-04. Review status: criteria provided, single submitter. Criteria: GeneDx Variant Classification Process June 2021. Collection method: clinical testing. Allele origin: germline. Affected: yes.
Comment: In silico analysis, which includes protein predictors and evolutionary conservation, supports that this variant does not alter protein structure/function; Has not been previously published as pathogenic or benign to our knowledge

PreventionGenetics, part of Exact Sciences
Classification: Uncertain significance for FGFR1-related condition. Last evaluated: 2024-09-25. Review status: no assertion criteria provided. Collection method: clinical testing. Allele origin: germline. Not counted in ClinVar's aggregate classification.
Comment: The FGFR1 c.1078G>A variant is predicted to result in the amino acid substitution p.Glu360Lys. To our knowledge, this variant has not been reported in the literature. This variant is reported in 0.0055% of alleles in individuals of East Asian descent in gnomAD. At this time, the clinical significance of this variant is uncertain due to the absence of conclusive functional and genetic evidence.